The following is an entry in ClinVar:

NM_001291303.3(FAT4):c.775G>T (p.Val259Leu)

Gene: FAT4 (FAT atypical cadherin 4; plus strand). Cytogenetic location: 4q28.1.
Variant type: single nucleotide variant.
Coding change: c.775G>T on transcript NM_001291303.3 (MANE Select); coding-DNA position 775, G replaced by T.
Protein change: p.Val259Leu; replaces valine 259 with leucine.
Molecular consequence: missense variant.
Genome position (GRCh38, 1-based): chr4:125,317,186, G>T. VCF-style: chr4-125317186-G-T. GRCh37 (hg19) VCF-style: chr4-126238341-G-T.
Other names: c.775G>T, p.Val259Leu (NM_001291285.3, NM_024582.6); short protein forms V259L.
Identifiers: ClinVar variation 1498372 (VCV001498372.3), dbSNP rs945517445, ClinGen allele CA104861473.
Genomic context (GRCh38, chr4:125,317,186, plus strand): 5'-ACTGTGCAAGACATTAATGACAACCCCCCGGTTTTTGGCAGTTCTCACTACCAGGCGGGG[G>T]TGCCTGAGGACGCGGTTGTGGGTTCCAGCGTCCTCCAGGTGGCGGCGGCGGACGCGGACG-3'
Protein context (NP_001278232.1, residues 249-269): VFGSSHYQAG[Val259Leu]PEDAVVGSSV

ClinVar aggregate classification (germline): Uncertain significance (1 of 4 stars; one submission).

Submission:

Labcorp Genetics (formerly Invitae), Labcorp
Classification: Uncertain significance. Last evaluated: 2021-10-21. Review status: criteria provided, single submitter. Criteria: Invitae Variant Classification Sherloc (09022015). Collection method: clinical testing. Allele origin: germline.
Comment: This sequence change replaces valine with leucine at codon 259 of the FAT4 protein (p.Val259Leu). The valine residue is highly conserved and there is a small physicochemical difference between valine and leucine. This variant is not present in population databases (ExAC no frequency). This variant has not been reported in the literature in individuals affected with FAT4-related conditions. Advanced modeling of protein sequence and biophysical properties (such as structural, functional, and spatial information, amino acid conservation, physicochemical variation, residue mobility, and thermodynamic stability) performed at Invitae indicates that this missense variant is not expected to disrupt FAT4 protein function. In summary, the available evidence is currently insufficient to determine the role of this variant in disease. Therefore, it has been classified as a Variant of Uncertain Significance.